The following is an entry in ClinVar:

ClinVar aggregate classification (germline): Uncertain significance (1 of 4 stars; one submission).

gnomAD v4.1: 2 of 1,581,342 alleles (0.00013%); highest among the groups gnomAD compares: Non-Finnish European, 0.000087%; no homozygotes.

Submission:

GeneDx
Classification: Uncertain significance. Last evaluated: 2025-01-06. Review status: criteria provided, single submitter. Criteria: GeneDx Variant Classification Process June 2021. Collection method: clinical testing. Allele origin: germline. Affected: yes.
Comment: Not observed at significant frequency in large population cohorts (gnomAD); In silico analysis indicates that this missense variant does not alter protein structure/function; Has not been previously published as pathogenic or benign to our knowledge

NM_017433.5(MYO3A):c.4570A>G (p.Arg1524Gly)

Gene: MYO3A (myosin IIIA; plus strand). Cytogenetic location: 10p12.1.
Variant type: single nucleotide variant.
Coding change: c.4570A>G on transcript NM_017433.5 (MANE Select); coding-DNA position 4570, A replaced by G.
Protein change: p.Arg1524Gly; replaces arginine 1524 with glycine.
Molecular consequence: missense variant.
Genome position (GRCh38, 1-based): chr10:26,201,289, A>G. VCF-style: chr10-26201289-A-G. GRCh37 (hg19) VCF-style: chr10-26490218-A-G.
Other names: short protein forms R1524G.
Identifiers: ClinVar variation 4055899 (VCV004055899.1).